The following is an entry in ClinVar:

ClinVar aggregate classification (germline): Pathogenic. Review status: reviewed by expert panel (3 of 4 stars). 5 submissions from 5 submitters: Pathogenic (1). 4 of the submissions do not count toward it. Last evaluated 2025-09-19.

Conditions:
RS1-related disorder. Also called: RS1-related condition.
Juvenile retinoschisis (RS1). Also called: X-Linked Juvenile Retinoschisis; X-linked retinoschisis. Identifiers: Orphanet 792, MedGen C3714753, MONDO:0010725, OMIM 312700.

Submissions (5):

ClinGen X-linked Inherited Retinal Disease Variant Curation Expert Panel, ClinGen
Classification: Pathogenic for Juvenile retinoschisis. Last evaluated: 2025-09-19. Review status: reviewed by expert panel. Criteria: ClinGen X LinkedIRD ACMG Specifications RS1 V1.0.0. Collection method: curation. Allele origin: germline. Inheritance: X-linked inheritance.
Comment: NM_000330.4(RS1):c.667T>C (p.Cys223Arg) is a missense variant encoding the substitution of cysteine with arginine at amino acid 223. This variant is absent from hemizygous individuals in gnomAD v4.1.0 (PM2_Supporting). This variant has been reported in at least 3 apparently unrelated probands meeting the PS4 requirements of a male diagnosed with X-linked retinoschisis (PMID: 34645606, PMID: 10533068, PMID: 30652005, PS4_Moderate). At least one proband harboring this variant exhibits a phenotype including appearance of schisis and reduced visual acuity before age 13 years, which together are specific for X-linked retinoschisis (PMID: 33460243, PP4). This variant has been identified as a de novo occurrence with confirmed parental relationships in an individual meeting the PS2 requirement of some functional vision impairment in affected males by age 13 (1 point, PS2_Moderate, PMID: 33460243). The variant has been reported to segregate with retinal dystrophy through 1 meiosis in a family with two affected brothers (PP1; PMID: 30652005). The computational predictor REVEL gives a score of 0.974, which is above the ClinGen X-linked IRD VCEP threshold of >0.932 and predicts a damaging effect on RS1 function (PP3_Strong). The computational splicing predictor SpliceAI gives a delta score of 0.00 for all predictive splice changes, which is below the ClinGen X-linked IRD VCEP threshold of >0.2 and does not predict that the variant disrupts RS1 splicing. COS‐7 cells exogenously expressing the variant exhibit loss of RS1 secretion into the medium relative to the wild-type control (PMID: 16361673, PS3_Supporting). This variant is a missense substitution affecting a critical amino acid residue involved in disulfide bridge formation as defined by the ClinGen X-linked IRD VCEP (PMID: 26812435). However, the PP3_Strong code has been met, which is ineligible to be used in combination with the PM1 code at any strength, so the PM1 code was not met. In summary, this variant is classified as pathogenic for X-linked retinoschisis based on the ClinGen X-linked Inherited Retinal Disease Expert Panel Specifications to the ACMG/AMP Variant Interpretation Guidelines for RS1 Version 1.0.0: PM2_Supporting, PP3_Strong, PS3_Supporting, PP1, PP4, PS2_Moderate, and PS4_Moderate.

SingHealth Duke-NUS Institute of Precision Medicine
Classification: Pathogenic for Juvenile retinoschisis. Last evaluated: 2025-02-05. Review status: criteria provided, single submitter. Criteria: PRISM ACMG Classification Criteria. Collection method: clinical testing. Allele origin: germline. Affected: yes. Not counted in ClinVar's aggregate classification.
Comment: REVEL score is 0.974 (PP3_str). Variant is located in a mutational hotspot where >50% of variants are pathogenic (PM1). Variant is not found in gnomAD exomes and genomes (PM2). Other variants on this amino acid residue have been classified as pathogenic (PM5, p.Cys223Gly; pCys223Tyr). RS1 variants are specific to retinoschisis phenotypes (PP4). Experimental studies have shown that this variant affects RS1 protein function (PMID: 16361673).

Labcorp Genetics (formerly Invitae), Labcorp
Classification: Pathogenic. Last evaluated: 2021-07-12. Review status: criteria provided, single submitter. Criteria: Invitae Variant Classification Sherloc (09022015). Collection method: clinical testing. Allele origin: germline. Not counted in ClinVar's aggregate classification.
Comment: This variant is not present in population databases (ExAC no frequency). This variant has been observed in individual(s) with retinoschisis (PMID: 10533068, 30652005, Invitae). ClinVar contains an entry for this variant (Variation ID: 9893). Advanced modeling of protein sequence and biophysical properties (such as structural, functional, and spatial information, amino acid conservation, physicochemical variation, residue mobility, and thermodynamic stability) performed at Invitae indicates that this missense variant is expected to disrupt RS1 protein function. Experimental studies have shown that this variant affects RS1 protein function (PMID: 16361673). For these reasons, this variant has been classified as Pathogenic. This sequence change replaces cysteine with arginine at codon 223 of the RS1 protein (p.Cys223Arg). The cysteine residue is highly conserved and there is a large physicochemical difference between cysteine and arginine.

Blueprint Genetics
Classification: Pathogenic for RS1-related disorders. Last evaluated: 2020-04-23. Review status: criteria provided, single submitter. Criteria: ACMG Guidelines, 2015. Collection method: clinical testing. Allele origin: germline. Affected: yes. Observed: 1 variant allele. Not counted in ClinVar's aggregate classification.

OMIM
Classification: Pathogenic for RETINOSCHISIS 1, X-LINKED, JUVENILE. Last evaluated: 1999-01-01. Review status: no assertion criteria provided. Collection method: literature only. Allele origin: germline. Not counted in ClinVar's aggregate classification.

Literature cited by the submitters: PubMed 16361673 (cited by SingHealth Duke-NUS Institute of Precision Medicine and Labcorp Genetics (formerly Invitae), Labcorp); PubMed 10533068 (cited by Labcorp Genetics (formerly Invitae), Labcorp and OMIM); PubMed 30652005 (cited by Labcorp Genetics (formerly Invitae), Labcorp).

NM_000330.4(RS1):c.667T>C (p.Cys223Arg)

Genes: CDKL5 (cyclin dependent kinase like 5; plus strand), RS1 (retinoschisin 1; minus strand). Cytogenetic location: Xp22.13.
Variant type: single nucleotide variant.
Coding change: c.667T>C on transcript NM_000330.4 (MANE Select); coding-DNA position 667, T replaced by C.
Protein change: p.Cys223Arg; replaces cysteine 223 with arginine.
Molecular consequence: missense variant. On other transcripts: intron variant (2).
Genome position (GRCh38, 1-based): chrX:18,642,012, A>G on the plus strand (T>C on the coding strand, the complement: RS1 is on the minus strand). VCF-style: chrX-18642012-A-G. GRCh37 (hg19) VCF-style: chrX-18660132-A-G.
Other names: NM_000330.4(RS1):c.667T>C; c.2714-3995A>G (NM_003159.3, NM_001037343.2); short protein forms C223R.
Identifiers: ClinVar variation 9893 (VCV000009893.13), dbSNP rs104894929, ClinGen allele CA254929.